The following is an entry in ClinVar:

ClinVar aggregate classification (germline): Conflicting classifications of pathogenicity. Review status: criteria provided, conflicting classifications (1 of 4 stars). 2 submissions from 2 submitters: Uncertain significance (1); Likely benign (1). Last evaluated 2026-01-26.

Conditions:
Sotos syndrome (SOTOS). Also called: CEREBRAL GIGANTISM; Sotos' syndrome; Distinctive facial appearance, overgrowth in childhood, and learning disabilities or delayed development; CHROMOSOME 5q35 DELETION SYNDROME; SOTOS SYNDROME 1. Identifiers: Orphanet 821, MedGen C0175695, MONDO:0019349, OMIM 117550.

gnomAD v4.1: 2 of 1,613,828 alleles (0.00012%); highest among the groups gnomAD compares: Admixed American, 0.0017%; no homozygotes.

Submissions (2):

Centre for Medical Genetics,  Mumbai
Classification: Likely benign for Sotos syndrome. Last evaluated: 2026-01-26. Review status: criteria provided, single submitter. Criteria: ACMG Guidelines, 2015. Collection method: provider interpretation. Allele origin: germline. Inheritance: Autosomal dominant inheritance. Affected: no. Observed: 1 variant allele, 1 heterozygote.
Comment: The variant satisfies PM2 criteria; Extremely low frequency in gnomAD population databases. The variant satisfies PP2 criteria; Missense variant in a gene with low rate of benign missense mutations and for which missense mutation is a common mechanism of a disease. However, the variant satisfies BS2 criteria.

Blueprint Genetics
Classification: Uncertain significance. Last evaluated: 2023-11-13. Review status: criteria provided, single submitter. Criteria: ACMG Guidelines, 2015. Collection method: clinical testing. Allele origin: germline.

Literature cited by the submitters: PubMed 11896389 (cited by Centre for Medical Genetics,  Mumbai).

NM_022455.5(NSD1):c.1072C>T (p.Arg358Trp)

Gene: NSD1 (nuclear receptor binding SET domain protein 1; plus strand). Cytogenetic location: 5q35.3.
Variant type: single nucleotide variant.
Coding change: c.1072C>T on transcript NM_022455.5 (MANE Select); coding-DNA position 1072, C replaced by T.
Protein change: p.Arg358Trp; replaces arginine 358 with tryptophan.
Molecular consequence: missense variant.
Genome position (GRCh38, 1-based): chr5:177,204,128, C>T. VCF-style: chr5-177204128-C-T. GRCh37 (hg19) VCF-style: chr5-176631129-C-T.
Other names: c.199C>T, p.Arg67Trp (NM_001365684.2, NM_001409306.1, NM_001409307.1 and 3 more transcripts); c.1072C>T, p.Arg358Trp (NM_001409301.1, NM_001409302.1, NM_001409303.1); c.652C>T, p.Arg218Trp (NM_001409304.1); c.319C>T, p.Arg107Trp (NM_001409305.1); short protein forms R107W, R218W, R358W, R67W.
Identifiers: ClinVar variation 4687852 (VCV004687852.2).